The following is an entry in ClinVar:

ClinVar aggregate classification (germline): Uncertain significance (1 of 4 stars; one submission).

Conditions:
Xeroderma pigmentosum, group F (XPF). Also called: ERCC4-Related Xeroderma Pigmentosum; XERODERMA PIGMENTOSUM, TYPE F; Xeroderma pigmentosum, type 6; XERODERMA PIGMENTOSUM VI; XP, GROUP F; XERODERMA PIGMENTOSUM, COMPLEMENTATION GROUP F. Identifiers: MedGen C0268140, MONDO:0010215, OMIM 278760.
Cockayne syndrome. Identifiers: Orphanet 191, MedGen C0009207, MONDO:0016006.
Fanconi anemia complementation group Q. Identifiers: Orphanet 84, MedGen C3808988, MONDO:0014108, OMIM 615272.

Allele frequency attached by ClinVar (database versions not stated): gnomAD 0.00001; TOPMed 0.00001; ExAC 0.00002.
gnomAD v4.1: 51 of 1,610,516 alleles (0.0032%); highest among the groups gnomAD compares: Non-Finnish European, 0.0043%; no homozygotes.

Submission:

Labcorp Genetics (formerly Invitae), Labcorp
Classification: Uncertain significance for Fanconi anemia complementation group Q; Xeroderma pigmentosum, group F; Cockayne syndrome. Last evaluated: 2022-09-22. Review status: criteria provided, single submitter. Criteria: Invitae Variant Classification Sherloc (09022015). Collection method: clinical testing. Allele origin: germline.
Comment: In summary, the available evidence is currently insufficient to determine the role of this variant in disease. Therefore, it has been classified as a Variant of Uncertain Significance. Variants that disrupt the consensus splice site are a relatively common cause of aberrant splicing (PMID: 17576681, 9536098). Algorithms developed to predict the effect of sequence changes on RNA splicing suggest that this variant may disrupt the consensus splice site. This variant has not been reported in the literature in individuals affected with ERCC4-related conditions. This variant is present in population databases (rs773956647, gnomAD 0.002%). This sequence change falls in intron 1 of the ERCC4 gene. It does not directly change the encoded amino acid sequence of the ERCC4 protein. It affects a nucleotide within the consensus splice site.

Literature cited by the submitters: PubMed 17576681; PubMed 9536098.

NM_005236.3(ERCC4):c.208-3T>G

Gene: ERCC4 (ERCC excision repair 4, endonuclease catalytic subunit; plus strand). Cytogenetic location: 16p13.12.
Variant type: single nucleotide variant.
Coding change: c.208-3T>G on transcript NM_005236.3 (MANE Select); 3 bases into the intron before coding-DNA position 208, T replaced by G.
Molecular consequence: intron variant.
Genome position (GRCh38, 1-based): chr16:13,922,028, T>G. VCF-style: chr16-13922028-T-G. GRCh37 (hg19) VCF-style: chr16-14015885-T-G.
Identifiers: ClinVar variation 2072844 (VCV002072844.2), dbSNP rs773956647, ClinGen allele CA7910124.